The following is an entry in ClinVar:

ClinVar aggregate classification (germline): Conflicting classifications of pathogenicity. Review status: criteria provided, conflicting classifications (1 of 4 stars). 2 submissions from 2 submitters: Uncertain significance (1); Likely benign (1). Last evaluated 2026-01-05.

Allele frequency attached by ClinVar (database versions not stated): ESP Exome Variant Server 0.00008; gnomAD exomes below 0.00001; ExAC 0.00001.
gnomAD v4.1: 6 of 1,612,440 alleles (0.00037%); highest among the groups gnomAD compares: Non-Finnish European, 0.00051%; no homozygotes.

Submissions (2):

Labcorp Genetics (formerly Invitae), Labcorp
Classification: Uncertain significance. Last evaluated: 2026-01-05. Review status: criteria provided, single submitter. Criteria: Invitae Variant Classification Sherloc (09022015). Collection method: clinical testing. Allele origin: germline.
Comment: This sequence change replaces asparagine, which is neutral and polar, with serine, which is neutral and polar, at codon 220 of the MICAL1 protein (p.Asn220Ser). This variant is present in population databases (rs141936559, gnomAD 0.003%). This variant has not been reported in the literature in individuals affected with MICAL1-related conditions. ClinVar contains an entry for this variant (Variation ID: 2293922). An algorithm developed to predict the effect of missense changes on protein structure and function outputs the following: PolyPhen-2: "Benign". The serine amino acid residue is found in multiple mammalian species, which suggests that this missense change does not adversely affect protein function. In summary, the available evidence is currently insufficient to determine the role of this variant in disease. Therefore, it has been classified as a Variant of Uncertain Significance.

Ambry Genetics
Classification: Likely benign. Last evaluated: 2022-06-03. Review status: criteria provided, single submitter. Criteria: Ambry Variant Classification Scheme 2023. Collection method: clinical testing. Allele origin: germline.

NM_022765.4(MICAL1):c.602A>G (p.Asn201Ser)

Gene: MICAL1 (microtubule associated monooxygenase, calponin and LIM domain containing 1; minus strand). Cytogenetic location: 6q21.
Variant type: single nucleotide variant.
Coding change: c.602A>G on transcript NM_022765.4 (MANE Select); coding-DNA position 602, A replaced by G.
Protein change: p.Asn201Ser; replaces asparagine 201 with serine.
Molecular consequence: missense variant.
Genome position (GRCh38, 1-based): chr6:109,452,585, T>C on the plus strand (A>G on the coding strand, the complement: MICAL1 is on the minus strand). VCF-style: chr6-109452585-T-C. GRCh37 (hg19) VCF-style: chr6-109773788-T-C.
Other names: c.602A>G, p.Asn201Ser (NM_001159291.2); c.659A>G, p.Asn220Ser (NM_001286613.2); short protein forms N201S, N220S.
Identifiers: ClinVar variation 2293922 (VCV002293922.5), dbSNP rs141936559, ClinGen allele CA3953698.
Genomic context (GRCh38, chr6:109,452,585, plus strand): 5'-TTACCTCCTGCAGCCGAGATAAGGACGTCAAATTCATAGTTGGCCAGCTGGGCAGGGGGG[T>C]TGGGTTGGAGCTGGGCACGCCAGCCACTCCCTAGGGCAGGGGGTATGAGAGGCACAAAGG-3'
Protein context (NP_073602.3, residues 191-211): GSGWRAQLQP[Asn201Ser]PPAQLANYEF